The following is an entry in ClinVar:

NM_001009944.3(PKD1):c.8032C>A (p.Leu2678Ile)

Gene: PKD1 (polycystin 1, transient receptor potential channel interacting; minus strand). Cytogenetic location: 16p13.3.
Variant type: single nucleotide variant.
Coding change: c.8032C>A on transcript NM_001009944.3 (MANE Select); coding-DNA position 8032, C replaced by A.
Protein change: p.Leu2678Ile; replaces leucine 2678 with isoleucine.
Molecular consequence: missense variant.
Genome position (GRCh38, 1-based): chr16:2,104,627, G>T on the plus strand (C>A on the coding strand, the complement: PKD1 is on the minus strand). VCF-style: chr16-2104627-G-T. GRCh37 (hg19) VCF-style: chr16-2154628-G-T.
Other names: c.8032C>A, p.Leu2678Ile (NM_000296.4); short protein forms L2678I.
Identifiers: ClinVar variation 1697179 (VCV001697179.3), dbSNP rs1269793804, ClinGen allele CA394365620.

ClinVar aggregate classification (germline): Uncertain significance. Review status: criteria provided, multiple submitters, no conflicts (2 of 4 stars). 2 submissions from 2 submitters: Uncertain significance (2). Last evaluated 2022-01-14.

Conditions:
Polycystic kidney disease, adult type (PKD1). Also called: Polycystic Kidney Disease 1, Autosomal Dominant; Polycystic kidney disease 1; Polycystic kidney disease 1, severe; Polycystic Kidney, Autosomal Dominant; POLYCYSTIC KIDNEY DISEASE 1 WITH OR WITHOUT POLYCYSTIC LIVER DISEASE; POLYCYSTIC KIDNEY DISEASE, ADULT, TYPE I. Identifiers: MedGen C3149841, MONDO:0008263, OMIM 173900.

Submissions (2):

GeneDx
Classification: Uncertain significance. Last evaluated: 2022-01-14. Review status: criteria provided, single submitter. Criteria: GeneDx Variant Classification Process June 2021. Collection method: clinical testing. Allele origin: germline. Affected: yes.
Comment: Not observed at significant frequency in large population cohorts (gnomAD); In silico analysis supports that this missense variant does not alter protein structure/function; Has not been previously published as pathogenic or benign to our knowledge

Fulgent Genetics
Classification: Uncertain significance for Polycystic kidney disease, adult type. Last evaluated: 2021-11-06. Review status: criteria provided, single submitter. Criteria: ACMG Guidelines, 2015. Collection method: clinical testing. Allele origin: unknown.